The following is an entry in ClinVar:

NM_002691.4(POLD1):c.266C>T (p.Pro89Leu)

Gene: POLD1 (DNA polymerase delta 1, catalytic subunit; plus strand). Cytogenetic location: 19q13.33.
Variant type: single nucleotide variant.
Coding change: c.266C>T on transcript NM_002691.4 (MANE Select); coding-DNA position 266, C replaced by T.
Protein change: p.Pro89Leu; replaces proline 89 with leucine.
Molecular consequence: missense variant. On other transcripts: non-coding transcript variant (1).
Genome position (GRCh38, 1-based): chr19:50,399,434, C>T. VCF-style: chr19-50399434-C-T. GRCh37 (hg19) VCF-style: chr19-50902691-C-T.
Other names: c.266C>T, p.Pro89Leu (NM_001256849.1, NM_001308632.1); short protein forms P89L.
Identifiers: ClinVar variation 3613761 (VCV003613761.2).

ClinVar aggregate classification (germline): Uncertain significance (1 of 4 stars; one submission).

Conditions:
POLD1-related polyposis and colorectal cancer syndrome (CRCS10). Also called: Colorectal cancer 10; COLORECTAL CANCER, SUSCEPTIBILITY TO, ON CHROMOSOME 19q; Colorectal cancer, susceptibility to, 10. Identifiers: Orphanet 220460, MedGen C2675481, MONDO:0012953, OMIM 612591.

Submission:

Labcorp Genetics (formerly Invitae), Labcorp
Classification: Uncertain significance for POLD1-related polyposis and colorectal cancer syndrome. Last evaluated: 2024-09-25. Review status: criteria provided, single submitter. Criteria: Invitae Variant Classification Sherloc (09022015). Collection method: clinical testing. Allele origin: germline.
Comment: This sequence change replaces proline, which is neutral and non-polar, with leucine, which is neutral and non-polar, at codon 89 of the POLD1 protein (p.Pro89Leu). This variant is not present in population databases (gnomAD no frequency). This variant has not been reported in the literature in individuals affected with POLD1-related conditions. Invitae Evidence Modeling of protein sequence and biophysical properties (such as structural, functional, and spatial information, amino acid conservation, physicochemical variation, residue mobility, and thermodynamic stability) indicates that this missense variant is not expected to disrupt POLD1 protein function with a negative predictive value of 80%. In summary, the available evidence is currently insufficient to determine the role of this variant in disease. Therefore, it has been classified as a Variant of Uncertain Significance.